The following is an entry in ClinVar:

ClinVar aggregate classification (germline): Uncertain significance. Review status: criteria provided, multiple submitters, no conflicts (2 of 4 stars). 2 submissions from 2 submitters: Uncertain significance (2). Last evaluated 2026-04-13.

Conditions:
Cardiovascular phenotype. Identifiers: MedGen CN230736.
Legius syndrome. Identifiers: Orphanet 137605, MedGen C1969623, MONDO:0012669, OMIM 611431. Disease mechanism: loss of function.

gnomAD v4.1: 1 of 1,613,840 alleles (0.000062%); highest among the groups gnomAD compares: African/African-American, 0.0013%; no homozygotes.

Submissions (2):

Ambry Genetics
Classification: Uncertain significance for Cardiovascular phenotype. Last evaluated: 2026-04-13. Review status: criteria provided, single submitter. Criteria: Ambry Variant Classification Scheme 2023. Collection method: clinical testing. Allele origin: germline.
Comment: The p.G434C variant (also known as c.1300G>T), located in coding exon 7 of the SPRED1 gene, results from a G to T substitution at nucleotide position 1300. The glycine at codon 434 is replaced by cysteine, an amino acid with highly dissimilar properties. This amino acid position is conserved. In addition, the in silico prediction for this alteration is inconclusive. Based on the available evidence, the clinical significance of this variant remains unclear.

Labcorp Genetics (formerly Invitae), Labcorp
Classification: Uncertain significance for Legius syndrome. Last evaluated: 2022-09-06. Review status: criteria provided, single submitter. Criteria: Invitae Variant Classification Sherloc (09022015). Collection method: clinical testing. Allele origin: germline.
Comment: This sequence change replaces glycine, which is neutral and non-polar, with cysteine, which is neutral and slightly polar, at codon 434 of the SPRED1 protein (p.Gly434Cys). This variant is not present in population databases (gnomAD no frequency). This variant has not been reported in the literature in individuals affected with SPRED1-related conditions. Algorithms developed to predict the effect of missense changes on protein structure and function are either unavailable or do not agree on the potential impact of this missense change (SIFT: "Deleterious"; PolyPhen-2: "Not Available"; Align-GVGD: "Class C15"). In summary, the available evidence is currently insufficient to determine the role of this variant in disease. Therefore, it has been classified as a Variant of Uncertain Significance.

NM_152594.3(SPRED1):c.1300G>T (p.Gly434Cys)

Gene: SPRED1 (sprouty related EVH1 domain containing 1; plus strand). Cytogenetic location: 15q14.
Variant type: single nucleotide variant.
Coding change: c.1300G>T on transcript NM_152594.3 (MANE Select); coding-DNA position 1300, G replaced by T.
Protein change: p.Gly434Cys; replaces glycine 434 with cysteine.
Molecular consequence: missense variant.
Genome position (GRCh38, 1-based): chr15:38,351,629, G>T. VCF-style: chr15-38351629-G-T. GRCh37 (hg19) VCF-style: chr15-38643830-G-T.
Other names: c.1300G>T (NM_152594.2); short protein forms G434C.
Identifiers: ClinVar variation 2084477 (VCV002084477.5), dbSNP rs2542744664, ClinGen allele CA391934801.